The following is an entry in ClinVar:

NM_002838.5(PTPRC):c.3475C>G (p.His1159Asp)

Gene: PTPRC (protein tyrosine phosphatase receptor type C; plus strand). Cytogenetic location: 1q32.1.
Variant type: single nucleotide variant.
Coding change: c.3475C>G on transcript NM_002838.5 (MANE Select); coding-DNA position 3475, C replaced by G.
Protein change: p.His1159Asp; replaces histidine 1159 with aspartic acid.
Molecular consequence: missense variant.
Genome position (GRCh38, 1-based): chr1:198,752,738, C>G. VCF-style: chr1-198752738-C-G. GRCh37 (hg19) VCF-style: chr1-198721867-C-G.
Other names: c.2992C>G, p.His998Asp (NM_080921.4); short protein forms H1159D, H998D.
Identifiers: ClinVar variation 1020467 (VCV001020467.9), dbSNP rs959940059, ClinGen allele CA344054962.

ClinVar aggregate classification (germline): Uncertain significance (1 of 4 stars; one submission).

Conditions:
Immunodeficiency 104. Also called: SCID, AUTOSOMAL RECESSIVE, T CELL-NEGATIVE, B CELL-POSITIVE, NK CELL-POSITIVE; Severe Combined Immune Deficiency, Autosomal Recessive, TCell -Negative, B Cell-Positive, NK Cell-Positive, IL7R-Related; Severe combined immunodeficiency, autosomal recessive, T cell-negative, B cell-positive, NK cell-positive; IMMUNODEFICIENCY 104, SEVERE COMBINED. Identifiers: MedGen C5676890, MONDO:0012163, OMIM 608971.

Submission:

Labcorp Genetics (formerly Invitae), Labcorp
Classification: Uncertain significance for Immunodeficiency 104. Last evaluated: 2022-11-22. Review status: criteria provided, single submitter. Criteria: Invitae Variant Classification Sherloc (09022015). Collection method: clinical testing. Allele origin: germline.
Comment: This sequence change replaces histidine, which is basic and polar, with aspartic acid, which is acidic and polar, at codon 1159 of the PTPRC protein (p.His1159Asp). In summary, the available evidence is currently insufficient to determine the role of this variant in disease. Therefore, it has been classified as a Variant of Uncertain Significance. Algorithms developed to predict the effect of missense changes on protein structure and function are either unavailable or do not agree on the potential impact of this missense change (SIFT: "Deleterious"; PolyPhen-2: "Benign"; Align-GVGD: "Class C15"). ClinVar contains an entry for this variant (Variation ID: 1020467). This variant has not been reported in the literature in individuals affected with PTPRC-related conditions. This variant is not present in population databases (gnomAD no frequency).